The following is an entry in ClinVar:

NM_001814.6(CTSC):c.94T>C (p.Tyr32His)

Genes: CTSC (cathepsin C; minus strand), LOC130006572 (ATAC-STARR-seq lymphoblastoid active region 5382; plus strand). Cytogenetic location: 11q14.2.
Variant type: single nucleotide variant.
Coding change: c.94T>C on transcript NM_001814.6 (MANE Select); coding-DNA position 94, T replaced by C.
Protein change: p.Tyr32His; replaces tyrosine 32 with histidine.
Molecular consequence: missense variant.
Genome position (GRCh38, 1-based): chr11:88,337,579, A>G on the plus strand (T>C on the coding strand, the complement: CTSC is on the minus strand). VCF-style: chr11-88337579-A-G. GRCh37 (hg19) VCF-style: chr11-88070747-A-G.
Other names: c.94T>C, p.Tyr32His (NM_001114173.3, NM_148170.5); short protein forms Y32H.
Identifiers: ClinVar variation 2066681 (VCV002066681.3), dbSNP rs1179893265, ClinGen allele CA382030717.

ClinVar aggregate classification (germline): Uncertain significance (1 of 4 stars; one submission).

Conditions:
Periodontitis, aggressive. Identifiers: MedGen C0031106, MONDO:0980757.
Haim-Munk syndrome (HMS). Also called: COCHIN JEWISH DISORDER; KERATOSIS PALMOPLANTARIS WITH PERIODONTOPATHIA AND ONYCHOGRYPOSIS. Identifiers: Orphanet 2342, MedGen C1855627, MONDO:0009491, OMIM 245010.
Papillon-Lefèvre syndrome (PALS). Also called: KERATOSIS PALMOPLANTARIS WITH PERIODONTOPATHIA; Papillon-Lefevre Disease. Identifiers: Orphanet 678, MedGen C0030360, MONDO:0009490, OMIM 245000.

Allele frequency attached by ClinVar (database versions not stated): gnomAD exomes below 0.00001.
gnomAD v4.1: 1 of 1,577,624 alleles (0.000063%); highest among the groups gnomAD compares: Admixed American, 0.0018%; no homozygotes.

Submission:

Labcorp Genetics (formerly Invitae), Labcorp
Classification: Uncertain significance for Haim-Munk syndrome; Periodontitis, aggressive; Papillon-Lefèvre syndrome. Last evaluated: 2022-05-29. Review status: criteria provided, single submitter. Criteria: Invitae Variant Classification Sherloc (09022015). Collection method: clinical testing. Allele origin: germline.
Comment: This sequence change replaces tyrosine, which is neutral and polar, with histidine, which is basic and polar, at codon 32 of the CTSC protein (p.Tyr32His). The frequency data for this variant in the population databases is considered unreliable, as metrics indicate poor data quality at this position in the gnomAD database. This variant has not been reported in the literature in individuals affected with CTSC-related conditions. Algorithms developed to predict the effect of missense changes on protein structure and function are either unavailable or do not agree on the potential impact of this missense change (SIFT: "Not Available"; PolyPhen-2: "Possibly Damaging"; Align-GVGD: "Not Available"). In summary, the available evidence is currently insufficient to determine the role of this variant in disease. Therefore, it has been classified as a Variant of Uncertain Significance.